The following is an entry in ClinVar:

NM_018941.4(CLN8):c.320T>G (p.Ile107Ser)

Gene: CLN8 (CLN8 transmembrane ER and ERGIC protein; plus strand). Cytogenetic location: 8p23.3.
Variant type: single nucleotide variant.
Coding change: c.320T>G on transcript NM_018941.4 (MANE Select); coding-DNA position 320, T replaced by G.
Protein change: p.Ile107Ser; replaces isoleucine 107 with serine.
Molecular consequence: missense variant.
Genome position (GRCh38, 1-based): chr8:1,771,374, T>G. VCF-style: chr8-1771374-T-G. GRCh37 (hg19) VCF-style: chr8-1719540-T-G.
Other names: short protein forms I107S.
Identifiers: ClinVar variation 56706 (VCV000056706.2), dbSNP rs386834126, ClinGen allele CA264163.
Genomic context (GRCh38, chr8:1,771,374, plus strand): 5'-GGGACCCTGTGCTGCATGCCGACAAGGCGCGTGGCCAGCAGAACTGGTGCTGGTTTCACA[T>G]CACGACAGCAACGGGATTCTTTTGCTTTGAAAATGTTGCAGTCCACCTGTCCAACTTGAT-3'
Protein context (NP_061764.2, residues 97-117): RGQQNWCWFH[Ile107Ser]TTATGFFCFE

ClinVar aggregate classification (germline): Likely pathogenic (0 of 4 stars; one submission).

Conditions:
Neuronal ceroid lipofuscinosis 8 (CLN8). Also called: CLN8-Related Neuronal Ceroid-Lipofuscinosis. Identifiers: Orphanet 168491, Orphanet 228354, Orphanet 79264, MedGen C1838570, MONDO:0010830, OMIM 600143.

Submission:

Juha Muilu Group; Institute for Molecular Medicine Finland (FIMM)
Classification: Likely pathogenic for Ceroid lipofuscinosis neuronal 8. Review status: no assertion criteria provided. Collection method: not provided. Allele origin: unknown.
Comment: FinDis database variant: This variant was not found or characterized by our laboratory, data were collected from public sources: see reference
ClinVar note: Converted during submission from probable-pathogenic to Likely pathogenic.